The following is an entry in ClinVar:

ClinVar aggregate classification (germline): Uncertain significance. Review status: criteria provided, multiple submitters, no conflicts (2 of 4 stars). 2 submissions from 2 submitters: Uncertain significance (2). Last evaluated 2025-11-10.

Conditions:
Hereditary cancer-predisposing syndrome. Also called: Neoplastic Syndromes, Hereditary; Hereditary Cancer Syndrome; Hereditary neoplastic syndrome; Tumor predisposition. Identifiers: Orphanet 140162, MedGen C0027672, MeSH D009386, MONDO:0015356.
Oligodontia-cancer predisposition syndrome. Also called: TOOTH AGENESIS-COLORECTAL CANCER SYNDROME. Identifiers: Orphanet 300576, MedGen C1837750, MONDO:0012075, OMIM 608615. Disease mechanism: loss of function.

Submissions (2):

Labcorp Genetics (formerly Invitae), Labcorp
Classification: Uncertain significance for Oligodontia-cancer predisposition syndrome. Last evaluated: 2025-11-10. Review status: criteria provided, single submitter. Criteria: Invitae Variant Classification Sherloc (09022015). Collection method: clinical testing. Allele origin: germline.
Comment: This sequence change replaces methionine, which is neutral and non-polar, with threonine, which is neutral and polar, at codon 170 of the AXIN2 protein (p.Met170Thr). This variant is not present in population databases (gnomAD no frequency). This variant has not been reported in the literature in individuals affected with AXIN2-related conditions. ClinVar contains an entry for this variant (Variation ID: 1058909). Invitae Evidence Modeling of protein sequence and biophysical properties (such as structural, functional, and spatial information, amino acid conservation, physicochemical variation, residue mobility, and thermodynamic stability) indicates that this missense variant is expected to disrupt AXIN2 protein function with a positive predictive value of 80%. In summary, the available evidence is currently insufficient to determine the role of this variant in disease. Therefore, it has been classified as a Variant of Uncertain Significance.

Ambry Genetics
Classification: Uncertain significance for Hereditary cancer-predisposing syndrome. Last evaluated: 2025-06-22. Review status: criteria provided, single submitter. Criteria: Ambry Variant Classification Scheme 2023. Collection method: clinical testing. Allele origin: germline.
Comment: The p.M170T variant (also known as c.509T>C), located in coding exon 1 of the AXIN2 gene, results from a T to C substitution at nucleotide position 509. The methionine at codon 170 is replaced by threonine, an amino acid with similar properties. This amino acid position is conserved. In addition, the in silico prediction for this alteration is inconclusive. Based on the available evidence, the clinical significance of this variant remains unclear.

NM_004655.4(AXIN2):c.509T>C (p.Met170Thr)

Gene: AXIN2 (axin 2; minus strand). Cytogenetic location: 17q24.1.
Variant type: single nucleotide variant.
Coding change: c.509T>C on transcript NM_004655.4 (MANE Select); coding-DNA position 509, T replaced by C.
Protein change: p.Met170Thr; replaces methionine 170 with threonine.
Molecular consequence: missense variant.
Genome position (GRCh38, 1-based): chr17:65,558,112, A>G on the plus strand (T>C on the coding strand, the complement: AXIN2 is on the minus strand). VCF-style: chr17-65558112-A-G. GRCh37 (hg19) VCF-style: chr17-63554230-A-G.
Other names: c.509T>C (NM_004655.3); c.509T>C, p.Met170Thr (NM_001363813.1); short protein forms M170T.
Identifiers: ClinVar variation 1058909 (VCV001058909.10), dbSNP rs2144585137, ClinGen allele CA400681114.